The following is an entry in ClinVar:

ClinVar aggregate classification (germline): Conflicting classifications of pathogenicity. Review status: criteria provided, conflicting classifications (1 of 4 stars). 2 submissions from 2 submitters: Uncertain significance (1); Likely benign (1). Last evaluated 2025-02-06.

Conditions:
Inborn genetic diseases. Identifiers: MedGen C0950123, MeSH D030342.

Submissions (2):

Ambry Genetics
Classification: Likely benign for Inborn genetic diseases. Last evaluated: 2025-02-06. Review status: criteria provided, single submitter. Criteria: Ambry Variant Classification Scheme 2023. Collection method: clinical testing. Allele origin: germline.

Labcorp Genetics (formerly Invitae), Labcorp
Classification: Uncertain significance. Last evaluated: 2024-12-12. Review status: criteria provided, single submitter. Criteria: Invitae Variant Classification Sherloc (09022015). Collection method: clinical testing. Allele origin: germline.
Comment: This sequence change replaces valine, which is neutral and non-polar, with aspartic acid, which is acidic and polar, at codon 27 of the MBD4 protein (p.Val27Asp). This variant is not present in population databases (gnomAD no frequency). This variant has not been reported in the literature in individuals affected with MBD4-related conditions. An algorithm developed to predict the effect of missense changes on protein structure and function outputs the following: PolyPhen-2: "Benign". The aspartic acid amino acid residue is found in multiple mammalian species, which suggests that this missense change does not adversely affect protein function. In summary, the available evidence is currently insufficient to determine the role of this variant in disease. Therefore, it has been classified as a Variant of Uncertain Significance.

NM_001276270.2(MBD4):c.80T>A (p.Val27Asp)

Gene: MBD4 (methyl-CpG binding domain 4, DNA glycosylase; minus strand). Cytogenetic location: 3q21.3.
Variant type: single nucleotide variant.
Coding change: c.80T>A on transcript NM_001276270.2 (MANE Select); coding-DNA position 80, T replaced by A.
Protein change: p.Val27Asp; replaces valine 27 with aspartic acid.
Molecular consequence: missense variant.
Genome position (GRCh38, 1-based): chr3:129,439,754, A>T on the plus strand (T>A on the coding strand, the complement: MBD4 is on the minus strand). VCF-style: chr3-129439754-A-T. GRCh37 (hg19) VCF-style: chr3-129158597-A-T.
Other names: c.80T>A, p.Val27Asp (NM_001276271.2, NM_001276272.2, NM_001276273.2 and 1 more transcripts); short protein forms V27D.
Identifiers: ClinVar variation 3727230 (VCV003727230.3).